The following is an entry in ClinVar:

ClinVar aggregate classification (germline): Benign/Likely benign. Review status: criteria provided, multiple submitters, no conflicts (2 of 4 stars). 2 submissions from 2 submitters: Benign (1); Likely benign (1). Last evaluated 2025-01-13.

Conditions:
Familial cancer of breast. Also called: hereditary breast carcinoma; Hereditary breast cancer; BREAST CANCER, FAMILIAL. Identifiers: Orphanet 227535, MedGen C0346153, MONDO:0016419, OMIM 114480. Disease mechanism: loss of function.

Submissions (2):

Myriad Genetics, Inc.
Classification: Benign for Familial cancer of breast. Last evaluated: 2025-01-13. Review status: criteria provided, single submitter. Criteria: Myriad Autosomal Dominant, Autosomal Recessive and X-Linked Classification Criteria (2023). Collection method: clinical testing. Allele origin: unknown.
Comment: This variant is considered benign. This variant is a silent/synonymous amino acid change and it is not expected to impact splicing.

Labcorp Genetics (formerly Invitae), Labcorp
Classification: Likely benign for Familial cancer of breast. Last evaluated: 2023-06-09. Review status: criteria provided, single submitter. Criteria: Invitae Variant Classification Sherloc (09022015). Collection method: clinical testing. Allele origin: germline.

NM_024675.4(PALB2):c.1440A>G (p.Lys480=)

Gene: PALB2 (partner and localizer of BRCA2; minus strand). Cytogenetic location: 16p12.2.
Variant type: single nucleotide variant.
Coding change: c.1440A>G on transcript NM_024675.4 (MANE Select); coding-DNA position 1440, A replaced by G.
Protein change: p.Lys480=; no amino-acid change (lysine 480 retained).
Molecular consequence: synonymous variant. On other transcripts: intron variant (3).
Genome position (GRCh38, 1-based): chr16:23,635,106, T>C on the plus strand (A>G on the coding strand, the complement: PALB2 is on the minus strand). VCF-style: chr16-23635106-T-C. GRCh37 (hg19) VCF-style: chr16-23646427-T-C.
Other names: c.1380A>G, p.Lys460= (NM_001407296.1); c.1440A>G, p.Lys480= (NM_001407297.1, NM_001407298.1, NM_001407299.1 and 3 more transcripts); c.555A>G, p.Lys185= (NM_001407304.1, NM_001407305.1, NM_001407306.1 and 5 more transcripts); c.49-5831A>G (NM_001407314.1); c.-104-4637A>G (NM_001407313.1, NM_001407312.1).
Identifiers: ClinVar variation 2700140 (VCV002700140.4), dbSNP rs2142415876, ClinGen allele CA494461458.